The following is an entry in ClinVar:

ClinVar aggregate classification (germline): Uncertain significance (1 of 4 stars; one submission).

Submission:

CeGaT Center for Human Genetics Tuebingen
Classification: Uncertain significance. Last evaluated: 2025-10-01. Review status: criteria provided, single submitter. Criteria: CeGaT Center For Human Genetics Tuebingen Variant Classification Criteria Version 2. Collection method: clinical testing. Allele origin: germline. Affected: yes. Observed: 1 variant allele.
Comment: VWA8: PM2, PVS1:Moderate

NM_015058.2(VWA8):c.932del (p.Pro311fs)

Gene: VWA8 (von Willebrand factor A domain containing 8; minus strand). Cytogenetic location: 13q14.11.
Variant type: Deletion.
Coding change: c.932del on transcript NM_015058.2 (MANE Select); coding-DNA position 932, one base deleted (C; older notation c.932delC).
Protein change: p.Pro311fs; shifts the reading frame from proline 311.
Molecular consequence: frameshift variant.
Genome position (GRCh38, 1-based): chr13:41,885,963, G deleted on the plus strand (C on the coding strand, the reverse complement: VWA8 is on the minus strand); the first of 2 consecutive G bases (chr13:41,885,963-41,885,964); deleting either gives the same sequence. VCF-style (leftmost placement, unchanged base first): chr13-41885962-TG-T. GRCh37 (hg19) VCF-style: chr13-42460098-TG-T.
Other names: c.932del, p.Pro311fs (NM_001009814.2); short protein forms P311fs.
Identifiers: ClinVar variation 4534824 (VCV004534824.6).